The following is an entry in ClinVar:

NM_007194.4(CHEK2):c.1437A>C (p.Glu479Asp)

Gene: CHEK2 (checkpoint kinase 2; minus strand). Cytogenetic location: 22q12.1.
Variant type: single nucleotide variant.
Coding change: c.1437A>C on transcript NM_007194.4 (MANE Select); coding-DNA position 1437, A replaced by C.
Protein change: p.Glu479Asp; replaces glutamic acid 479 with aspartic acid.
Molecular consequence: missense variant.
Genome position (GRCh38, 1-based): chr22:28,694,056, T>G on the plus strand (A>C on the coding strand, the complement: CHEK2 is on the minus strand). VCF-style: chr22-28694056-T-G. GRCh37 (hg19) VCF-style: chr22-29090044-T-G.
Other names: c.1350A>C, p.Glu450Asp (NM_145862.3); c.1566A>C, p.Glu522Asp (NM_001005735.3); c.774A>C, p.Glu258Asp (NM_001257387.3); c.1236A>C, p.Glu412Asp (NM_001349956.3); short protein forms E258D, E412D, E479D, E522D, E450D.
Identifiers: ClinVar variation 2801608 (VCV002801608.3), dbSNP rs2145784828, ClinGen allele CA411094145.

ClinVar aggregate classification (germline): Uncertain significance (1 of 4 stars; one submission).

Conditions:
Familial cancer of breast. Also called: hereditary breast carcinoma; Hereditary breast cancer; BREAST CANCER, FAMILIAL. Identifiers: Orphanet 227535, MedGen C0346153, MONDO:0016419, OMIM 114480. Disease mechanism: loss of function.

Submission:

Labcorp Genetics (formerly Invitae), Labcorp
Classification: Uncertain significance for Familial cancer of breast. Last evaluated: 2023-12-02. Review status: criteria provided, single submitter. Criteria: Invitae Variant Classification Sherloc (09022015). Collection method: clinical testing. Allele origin: germline.
Comment: This sequence change replaces glutamic acid, which is acidic and polar, with aspartic acid, which is acidic and polar, at codon 479 of the CHEK2 protein (p.Glu479Asp). This variant is not present in population databases (gnomAD no frequency). This variant has not been reported in the literature in individuals affected with CHEK2-related conditions. Algorithms developed to predict the effect of missense changes on protein structure and function output the following: SIFT: "Not Available"; PolyPhen-2: "Benign"; Align-GVGD: "Not Available". The aspartic acid amino acid residue is found in multiple mammalian species, which suggests that this missense change does not adversely affect protein function. In summary, the available evidence is currently insufficient to determine the role of this variant in disease. Therefore, it has been classified as a Variant of Uncertain Significance.